The following is an entry in ClinVar:

NM_138420.4(AHNAK2):c.6336C>T (p.Val2112=)

Gene: AHNAK2 (AHNAK nucleoprotein 2; minus strand). Cytogenetic location: 14q32.33.
Variant type: single nucleotide variant.
Coding change: c.6336C>T on transcript NM_138420.4 (MANE Select); coding-DNA position 6336, C replaced by T.
Protein change: p.Val2112=; no amino-acid change (valine 2112 retained).
Molecular consequence: synonymous variant.
Genome position (GRCh38, 1-based): chr14:104,949,115, G>A on the plus strand (C>T on the coding strand, the complement: AHNAK2 is on the minus strand). VCF-style: chr14-104949115-G-A. GRCh37 (hg19) VCF-style: chr14-105415452-G-A.
Other names: c.6036C>T, p.Val2012= (NM_001350929.2).
Identifiers: ClinVar variation 4280904 (VCV004280904.7).

ClinVar aggregate classification (germline): Likely benign (1 of 4 stars; one submission).

Submission:

CeGaT Center for Human Genetics Tuebingen
Classification: Likely benign. Last evaluated: 2025-09-01. Review status: criteria provided, single submitter. Criteria: CeGaT Center For Human Genetics Tuebingen Variant Classification Criteria Version 2. Collection method: clinical testing. Allele origin: germline. Affected: yes. Observed: 1 variant allele.
Comment: AHNAK2: BP4, BP7, BS2